The following is an entry in ClinVar:

NM_005876.5(SPEG):c.9161+6T>C

Genes: ASIC4-AS1 (ASIC4 antisense RNA 1; minus strand), SPEG (striated muscle enriched protein kinase; plus strand). Cytogenetic location: 2q35.
Variant type: single nucleotide variant.
Coding change: c.9161+6T>C on transcript NM_005876.5 (MANE Select); 6 bases into the intron after coding-DNA position 9161, T replaced by C.
Molecular consequence: intron variant.
Genome position (GRCh38, 1-based): chr2:219,490,654, T>C. VCF-style: chr2-219490654-T-C. GRCh37 (hg19) VCF-style: chr2-220355376-T-C.
Identifiers: ClinVar variation 1984998 (VCV001984998.2), dbSNP rs767172178, ClinGen allele CA2127685.
Genomic context (GRCh38, chr2:219,490,654, plus strand): 5'-TGCTCATTGCTGAGAGCTGTGGCAACCGGGAACTCCTCTGTGGGCTCAGTGACAGGTAGC[T>C]GGGAATTCTAGGGGAGTAGGGAGGAAGAGGTAGGGGAGGCTGGGCCGGGTATCATCTGCT-3'

ClinVar aggregate classification (germline): Uncertain significance (1 of 4 stars; one submission).

Allele frequency attached by ClinVar (database versions not stated): TOPMed below 0.00001; ExAC 0.00001.
gnomAD v4.1: 3 of 1,608,698 alleles (0.00019%); highest among the groups gnomAD compares: Admixed American, 0.005%; no homozygotes.

Submission:

Labcorp Genetics (formerly Invitae), Labcorp
Classification: Uncertain significance. Last evaluated: 2023-04-24. Review status: criteria provided, single submitter. Criteria: Invitae Variant Classification Sherloc (09022015). Collection method: clinical testing. Allele origin: germline.
Comment: In summary, the available evidence is currently insufficient to determine the role of this variant in disease. Therefore, it has been classified as a Variant of Uncertain Significance. Variants that disrupt the consensus splice site are a relatively common cause of aberrant splicing (PMID: 17576681, 9536098). Algorithms developed to predict the effect of sequence changes on RNA splicing suggest that this variant is not likely to affect RNA splicing. ClinVar contains an entry for this variant (Variation ID: 1984998). This variant has not been reported in the literature in individuals affected with SPEG-related conditions. This variant is present in population databases (rs767172178, gnomAD 0.006%). This sequence change falls in intron 37 of the SPEG gene. It does not directly change the encoded amino acid sequence of the SPEG protein. It affects a nucleotide within the consensus splice site.

Literature cited by the submitters: PubMed 17576681; PubMed 9536098.